The following is an entry in ClinVar:

ClinVar aggregate classification (germline): Pathogenic (1 of 4 stars; one submission).

Conditions:
Primary ciliary dyskinesia. Also called: Ciliary dyskinesia. Identifiers: Orphanet 244, MedGen C0008780, MONDO:0016575, HP:0012265.

Submission:

Labcorp Genetics (formerly Invitae), Labcorp
Classification: Pathogenic for Primary ciliary dyskinesia. Last evaluated: 2018-08-15. Review status: criteria provided, single submitter. Criteria: Invitae Variant Classification Sherloc (09022015). Collection method: clinical testing. Allele origin: germline.
Comment: This sequence change creates a premature translational stop signal (p.Gln67Argfs*11) in the RSPH9 gene. It is expected to result in an absent or disrupted protein product. This variant is not present in population databases (ExAC no frequency). This variant has been observed to segregate with primary ciliary dyskinesia in one family (Invitae). Loss-of-function variants in RSPH9 are known to be pathogenic (PMID: 19200523, 23993197). For these reasons, this variant has been classified as Pathogenic.

Literature cited by the submitters: PubMed 19200523; PubMed 23993197.

NM_152732.5(RSPH9):c.200del (p.Gln67fs)

Gene: RSPH9 (radial spoke head component 9; plus strand). Cytogenetic location: 6p21.1.
Variant type: Deletion.
Coding change: c.200del on transcript NM_152732.5 (MANE Select); coding-DNA position 200, one base deleted (A; older notation c.200delA).
Protein change: p.Gln67fs; shifts the reading frame from glutamine 67.
Molecular consequence: frameshift variant. On other transcripts: non-coding transcript variant (2).
Genome position (GRCh38, 1-based): chr6:43,645,298, A deleted. VCF-style (leftmost placement, unchanged base first): chr6-43645297-CA-C. GRCh37 (hg19) VCF-style: chr6-43613034-CA-C.
Other names: c.200del, p.Gln67fs (NM_001193341.2, NM_001424119.1, NM_001424120.1 and 1 more transcripts); short protein forms Q67fs.
Identifiers: ClinVar variation 639923 (VCV000639923.10), dbSNP rs1582373132, ClinGen allele CA915944258.